The following is an entry in ClinVar:

ClinVar aggregate classification (germline): Pathogenic/Likely pathogenic. Review status: criteria provided, multiple submitters, no conflicts (2 of 4 stars). 4 submissions from 4 submitters: Pathogenic (1); Likely pathogenic (3). Last evaluated 2024-06-06.

Conditions:
INPP5E-related disorder. Also called: INPP5E-related condition.
Rod-cone dystrophy. Identifiers: HP:0001127, MedGen C4551714.
MORM syndrome (MORMS). Identifiers: Orphanet 75858, MedGen C1857802, MONDO:0012423, OMIM 610156.
Joubert syndrome 1 (JBTS1). Also called: Cerebellooculorenal syndrome 1; CEREBELLOPARENCHYMAL DISORDER IV. Identifiers: MedGen C4551568, MONDO:0008944, OMIM 213300.
Joubert syndrome. Also called: JOUBERT-BOLTSHAUSER SYNDROME; Familial aplasia of the vermis. Identifiers: Orphanet 475, MedGen C5979921, MONDO:0018772.

Allele frequency attached by ClinVar (database versions not stated): gnomAD 0.00001; gnomAD exomes 0.00001; TOPMed 0.00002.
gnomAD v4.1: 21 of 1,555,438 alleles (0.0014%); highest among the groups gnomAD compares: Non-Finnish European, 0.0017%; no homozygotes.

Submissions (4):

Labcorp Genetics (formerly Invitae), Labcorp
Classification: Likely pathogenic for Joubert syndrome. Last evaluated: 2024-06-06. Review status: criteria provided, single submitter. Criteria: Invitae Variant Classification Sherloc (09022015). Collection method: clinical testing. Allele origin: germline.
Comment: This sequence change replaces arginine, which is basic and polar, with histidine, which is basic and polar, at codon 557 of the INPP5E protein (p.Arg557His). The frequency data for this variant in the population databases is considered unreliable, as metrics indicate poor data quality at this position in the gnomAD database. This missense change has been observed in individual(s) with rod-cone degeneration (PMID: 34188062). In at least one individual the data is consistent with being in trans (on the opposite chromosome) from a pathogenic variant. It has also been observed to segregate with disease in related individuals. ClinVar contains an entry for this variant (Variation ID: 1065659). Advanced modeling of protein sequence and biophysical properties (such as structural, functional, and spatial information, amino acid conservation, physicochemical variation, residue mobility, and thermodynamic stability) performed at Invitae indicates that this missense variant is expected to disrupt INPP5E protein function with a positive predictive value of 95%. This variant disrupts the p.Arg557 amino acid residue in INPP5E. Other variant(s) that disrupt this residue have been observed in individuals with INPP5E-related conditions (PMID: 25999675), which suggests that this may be a clinically significant amino acid residue. In summary, the currently available evidence indicates that the variant is pathogenic, but additional data are needed to prove that conclusively. Therefore, this variant has been classified as Likely Pathogenic.

Fulgent Genetics
Classification: Likely pathogenic for Joubert syndrome 1; MORM syndrome. Last evaluated: 2024-04-26. Review status: criteria provided, single submitter. Criteria: ACMG Guidelines, 2015. Collection method: clinical testing. Allele origin: germline.

Blueprint Genetics
Classification: Pathogenic for INPP5E-related disorders. Last evaluated: 2023-08-28. Review status: criteria provided, single submitter. Criteria: ACMG Guidelines, 2015. Collection method: clinical testing. Allele origin: germline. Affected: yes. Observed: 5 variant alleles.

Ocular Genomics Institute, Massachusetts Eye and Ear
Classification: Likely pathogenic for Rod-cone dystrophy. Last evaluated: 2021-04-08. Review status: criteria provided, single submitter. Criteria: ACMG Guidelines, 2015. Collection method: research. Allele origin: germline. Affected: yes.
Comment: Through a review of available evidence we were able to apply the following criteria: PM2, PP3, PM1, PM3. Based on this evidence we have classified this variant as Likely Pathogenic.

Literature cited by the submitters: PubMed 34188062 (cited by Labcorp Genetics (formerly Invitae), Labcorp); PubMed 25999675 (cited by Labcorp Genetics (formerly Invitae), Labcorp).

NM_019892.6(INPP5E):c.1670G>A (p.Arg557His)

Gene: INPP5E (inositol polyphosphate-5-phosphatase E; minus strand). Cytogenetic location: 9q34.3.
Variant type: single nucleotide variant.
Coding change: c.1670G>A on transcript NM_019892.6 (MANE Select); coding-DNA position 1670, G replaced by A.
Protein change: p.Arg557His; replaces arginine 557 with histidine.
Molecular consequence: missense variant.
Genome position (GRCh38, 1-based): chr9:136,430,409, C>T on the plus strand (G>A on the coding strand, the complement: INPP5E is on the minus strand). VCF-style: chr9-136430409-C-T. GRCh37 (hg19) VCF-style: chr9-139324861-C-T.
Other names: c.1667G>A, p.Arg556His (NM_001318502.2); short protein forms R556H, R557H.
Identifiers: ClinVar variation 1065659 (VCV001065659.9), dbSNP rs992814593, ClinGen allele CA201638363.
Genomic context (GRCh38, chr9:136,430,409, plus strand): 5'-GGGCAGGAAGAGTAGCTCACAGGACAGATGTCACCCTTGTGGCGGCTTCTGTACAAGACG[C>T]GGTCCTTTGGGAAGATTGCAGAGGCAGGAGGTCCAGTTACTTGTGAGGAGCCGTGGGGCG-3'
Protein context (NP_063945.2, residues 547-567): SKQRTPSYTD[Arg557His]VLYRSRHKGD